The following is an entry in ClinVar:

NM_001105247.2(ARMC5):c.2069G>A (p.Arg690Gln)

Gene: ARMC5 (armadillo repeat containing 5; plus strand). Cytogenetic location: 16p11.2.
Variant type: single nucleotide variant.
Coding change: c.2069G>A on transcript NM_001105247.2 (MANE Select); coding-DNA position 2069, G replaced by A.
Protein change: p.Arg690Gln; replaces arginine 690 with glutamine.
Molecular consequence: missense variant. On other transcripts: 3 prime UTR variant (1).
Genome position (GRCh38, 1-based): chr16:31,466,150, G>A. VCF-style: chr16-31466150-G-A. GRCh37 (hg19) VCF-style: chr16-31477471-G-A.
Other names: c.2354G>A, p.Arg785Gln (NM_001288767.2); c.2165G>A, p.Arg722Gln (NM_001301820.1); c.*949G>A (NM_024742.2); c.2354G>A (NM_001288767.1); short protein forms R690Q, R722Q, R785Q.
Identifiers: ClinVar variation 2389878 (VCV002389878.4), dbSNP rs758434668, ClinGen allele CA8029962.
Genomic context (GRCh38, chr16:31,466,150, plus strand): 5'-TGTGGCGCCGGCTGCTTCTGGAGCAGGGTGGTCTCCGGCTCCTCCTTGCGGCGCTGACCC[G>A]GCCGGCCCCACACCCGCTCTTCCTCTTCTTTGCCGCGGACTCCCTTTCCTGCCTCCAAGA-3'
Protein context (NP_001098717.1, residues 680-700): GLRLLLAALT[Arg690Gln]PAPHPLFLFF

ClinVar aggregate classification (germline): Uncertain significance. Review status: criteria provided, multiple submitters, no conflicts (2 of 4 stars). 2 submissions from 2 submitters: Uncertain significance (2). Last evaluated 2025-12-16.

Conditions:
ARMC5-related disorder. Also called: ARMC5-related condition.
Inborn genetic diseases. Identifiers: MedGen C0950123, MeSH D030342.

Allele frequency attached by ClinVar (database versions not stated): TOPMed 0.00008; ExAC 0.00003; gnomAD 0.00007.
gnomAD v4.1: 20 of 1,606,952 alleles (0.0012%); highest among the groups gnomAD compares: African/African-American, 0.021%; no homozygotes.

Submissions (2):

Ambry Genetics
Classification: Uncertain significance for Inborn genetic diseases. Last evaluated: 2025-12-16. Review status: criteria provided, single submitter. Criteria: Ambry Variant Classification Scheme 2023. Collection method: clinical testing. Allele origin: germline.

PreventionGenetics, part of Exact Sciences
Classification: Uncertain significance for ARMC5-related condition. Last evaluated: 2023-04-05. Review status: criteria provided, single submitter. Criteria: ACMG Guidelines, 2015. Collection method: clinical testing. Allele origin: germline.
Comment: The ARMC5 c.2354G>A variant is predicted to result in the amino acid substitution p.Arg785Gln. To our knowledge, this variant has not been reported in the literature. This variant is reported in 0.025% of alleles in individuals of African descent in gnomAD. Although we suspect that this variant may be benign, at this time, the clinical significance of this variant is uncertain due to the absence of conclusive functional and genetic evidence.